The following is an entry in ClinVar:

ClinVar aggregate classification (germline): Uncertain significance (1 of 4 stars; one submission).

Conditions:
Neuropathy, hereditary sensory and autonomic, type 2A (HSAN2A). Also called: HSAN IIA; MORVAN DISEASE; NEUROPATHY, CONGENITAL SENSORY; NEUROPATHY, HEREDITARY SENSORY RADICULAR, AUTOSOMAL RECESSIVE; NEUROPATHY, HEREDITARY SENSORY, TYPE IIA; NEUROPATHY, PROGRESSIVE SENSORY, OF CHILDREN. Identifiers: Orphanet 970, MedGen C2752089, MONDO:0024309, OMIM 201300.
Generalized epilepsy with febrile seizures plus, type 7 (GEFSP7). Also called: GEFS+, TYPE 7. Identifiers: Orphanet 36387, MedGen C2751778, MONDO:0013470, OMIM 613863.

Allele frequency attached by ClinVar (database versions not stated): TOPMed 0.00003; 1000 Genomes Project 30x 0.00016; 1000 Genomes Project 0.00020.
gnomAD v4.1: 10 of 1,612,868 alleles (0.00062%); highest among the groups gnomAD compares: African/African-American, 0.0027%; no homozygotes.

Submission:

Labcorp Genetics (formerly Invitae), Labcorp
Classification: Uncertain significance for Neuropathy, hereditary sensory and autonomic, type 2A; Generalized epilepsy with febrile seizures plus, type 7. Last evaluated: 2026-01-06. Review status: criteria provided, single submitter. Criteria: Invitae Variant Classification Sherloc (09022015). Collection method: clinical testing. Allele origin: germline.
Comment: This sequence change replaces leucine, which is neutral and non-polar, with valine, which is neutral and non-polar, at codon 803 of the SCN9A protein (p.Leu803Val). This variant is present in population databases (rs550245159, gnomAD 0.02%). This variant has not been reported in the literature in individuals affected with SCN9A-related conditions. ClinVar contains an entry for this variant (Variation ID: 860038). Invitae Evidence Modeling of protein sequence and biophysical properties (such as structural, functional, and spatial information, amino acid conservation, physicochemical variation, residue mobility, and thermodynamic stability) indicates that this missense variant is not expected to disrupt SCN9A protein function with a negative predictive value of 95%. In summary, the available evidence is currently insufficient to determine the role of this variant in disease. Therefore, it has been classified as a Variant of Uncertain Significance.

NM_001365536.1(SCN9A):c.2440C>G (p.Leu814Val)

Genes: SCN9A (sodium voltage-gated channel alpha subunit 9; minus strand), SCN1A-AS1 (SCN1A and SCN9A antisense RNA 1; plus strand). Cytogenetic location: 2q24.3.
Variant type: single nucleotide variant.
Coding change: c.2440C>G on transcript NM_001365536.1 (MANE Select); coding-DNA position 2440, C replaced by G.
Protein change: p.Leu814Val; replaces leucine 814 with valine.
Molecular consequence: missense variant.
Genome position (GRCh38, 1-based): chr2:166,278,217, G>C on the plus strand (C>G on the coding strand, the complement: SCN9A is on the minus strand). VCF-style: chr2-166278217-G-C. GRCh37 (hg19) VCF-style: chr2-167134727-G-C.
Other names: c.2407C>G, p.Leu803Val (NM_002977.4); short protein forms L814V, L803V.
Identifiers: ClinVar variation 860038 (VCV000860038.8), dbSNP rs550245159, ClinGen allele CA1944271.